The following is an entry in ClinVar:

ClinVar aggregate classification (germline): Likely benign. Review status: criteria provided, multiple submitters, no conflicts (2 of 4 stars). 2 submissions from 2 submitters: Likely benign (2). Last evaluated 2025-06-04.

Conditions:
Hypertrophic cardiomyopathy. Also called: HYPERTROPHIC MYOCARDIOPATHY. Identifiers: Orphanet 217569, MedGen C0007194, MeSH D002312, MONDO:0005045, HP:0001639.

Allele frequency attached by ClinVar (database versions not stated): gnomAD exomes below 0.00001; ExAC 0.00001.

Submissions (2):

Labcorp Genetics (formerly Invitae), Labcorp
Classification: Likely benign for Hypertrophic cardiomyopathy. Last evaluated: 2025-06-04. Review status: criteria provided, single submitter. Criteria: Invitae Variant Classification Sherloc (09022015). Collection method: clinical testing. Allele origin: germline.

All of Us Research Program, National Institutes of Health
Classification: Likely benign for Hypertrophic cardiomyopathy. Last evaluated: 2023-06-26. Review status: criteria provided, single submitter. Criteria: ACMG Guidelines, 2015. Collection method: clinical testing. Allele origin: germline. Inheritance: Autosomal dominant inheritance. Observed: 1 variant allele, 1 heterozygote.
Comment: This study involves interpretation of variants in research participants for the purpose of population health screening. Participant phenotype was not available at the time of variant classification. Additional details can be found in publication PMID: 35346344, PMCID: PMC8962531

NM_000256.3(MYBPC3):c.2068-9dup

Gene: MYBPC3 (myosin binding protein C3; minus strand). Cytogenetic location: 11p11.2.
Variant type: Duplication.
Coding change: c.2068-9dup on transcript NM_000256.3 (MANE Select); 9 bases into the intron before coding-DNA position 2068, one base duplicated (T; older notation c.2068-9dupT).
Molecular consequence: intron variant.
Genome position (GRCh38, 1-based): chr11:47,339,413, A duplicated on the plus strand (T on the coding strand, the reverse complement: MYBPC3 is on the minus strand). VCF-style (leftmost placement, unchanged base first): chr11-47339412-C-CA. GRCh37 (hg19) VCF-style: chr11-47360963-C-CA.
Identifiers: ClinVar variation 1897509 (VCV001897509.6), dbSNP rs760675093, ClinGen allele CA5975369.
Genomic context (GRCh38, chr11:47,339,412, plus strand): 5'-TCACCTGTGTCCTCTGGGGCATCTGGGGCTGGCCTGGCTGGGGCCTTATTCCCCTGGGAA[C>CA]AGGGCAGGAGGGAAGTAGGGAGCAGAGGAGCTGACTCAGCCTGGAAGCGCCCCTCTGCTG-3'